The following is an entry in ClinVar:

ClinVar aggregate classification (germline): Uncertain significance. Review status: criteria provided, multiple submitters, no conflicts (2 of 4 stars). 2 submissions from 2 submitters: Uncertain significance (2). Last evaluated 2025-05-13.

Submissions (2):

Mayo Clinic Laboratories, Mayo Clinic
Classification: Uncertain significance. Last evaluated: 2025-05-13. Review status: criteria provided, single submitter. Criteria: ACMG Guidelines, 2015. Collection method: clinical testing. Allele origin: germline. Observed: 1 variant allele.
Comment: BP4_moderate, PM2_supporting

Laboratory of Genetics, Children's Clinical University Hospital Latvia
Classification: Uncertain significance. Last evaluated: 2025-02-16. Review status: criteria provided, single submitter. Criteria: ACMG Guidelines, 2015. Collection method: clinical testing. Allele origin: germline. Affected: yes.

NM_022114.4(PRDM16):c.788G>A (p.Gly263Asp)

Gene: PRDM16 (PR/SET domain 16; plus strand). Cytogenetic location: 1p36.32.
Variant type: single nucleotide variant.
Coding change: c.788G>A on transcript NM_022114.4 (MANE Select); coding-DNA position 788, G replaced by A.
Protein change: p.Gly263Asp; replaces glycine 263 with aspartic acid.
Molecular consequence: missense variant.
Genome position (GRCh38, 1-based): chr1:3,402,902, G>A. VCF-style: chr1-3402902-G-A. GRCh37 (hg19) VCF-style: chr1-3319466-G-A.
Other names: p.Gly263Asp; c.788G>A, p.Gly263Asp (NM_199454.3); short protein forms G263D.
Identifiers: ClinVar variation 3910353 (VCV003910353.2).